The following is an entry in ClinVar:

NM_001267550.2(TTN):c.107642A>G (p.Glu35881Gly)

Genes: TTN-AS1 (TTN antisense RNA 1; plus strand), TTN (titin; minus strand). Cytogenetic location: 2q31.2.
Variant type: single nucleotide variant.
Coding change: c.107642A>G on transcript NM_001267550.2 (MANE Select); coding-DNA position 107642, A replaced by G.
Protein change: p.Glu35881Gly; replaces glutamic acid 35881 with glycine.
Molecular consequence: missense variant.
Genome position (GRCh38, 1-based): chr2:178,527,484, T>C on the plus strand (A>G on the coding strand, the complement: TTN is on the minus strand). VCF-style: chr2-178527484-T-C. GRCh37 (hg19) VCF-style: chr2-179392211-T-C.
Other names: c.102719A>G, p.Glu34240Gly (NM_001256850.1); c.80447A>G, p.Glu26816Gly (NM_003319.4); c.99938A>G, p.Glu33313Gly (NM_133378.4); c.80822A>G, p.Glu26941Gly (NM_133432.3); c.81023A>G, p.Glu27008Gly (NM_133437.4); short protein forms E35881G, E26816G, E27008G, E26941G, E33313G, E34240G.
Identifiers: ClinVar variation 952786 (VCV000952786.10), dbSNP rs1686954050, ClinGen allele CA349399839.

ClinVar aggregate classification (germline): Uncertain significance (1 of 4 stars; one submission).

Conditions:
Dilated cardiomyopathy 1G (CMD1G). Identifiers: Orphanet 154, MedGen C1858763, MONDO:0011400, OMIM 604145.
Autosomal recessive limb-girdle muscular dystrophy type 2J (LGMDR10). Also called: Limb-girdle muscular dystrophy, type 2J; MUSCULAR DYSTROPHY, LIMB-GIRDLE, AUTOSOMAL RECESSIVE 10. Identifiers: Orphanet 140922, MedGen C1837342, MONDO:0012127, OMIM 608807.

Submission:

Labcorp Genetics (formerly Invitae), Labcorp
Classification: Uncertain significance for Dilated cardiomyopathy 1G; Autosomal recessive limb-girdle muscular dystrophy type 2J. Last evaluated: 2022-03-23. Review status: criteria provided, single submitter. Criteria: Invitae Variant Classification Sherloc (09022015). Collection method: clinical testing. Allele origin: germline.
Comment: In summary, the available evidence is currently insufficient to determine the role of this variant in disease. Therefore, it has been classified as a Variant of Uncertain Significance. Experimental studies and prediction algorithms are not available or were not evaluated, and the functional significance of this variant is currently unknown. This variant is located in the M band of TTN (PMID: 25589632). Variants in this region may be relevant for neuromuscular disorders, but have not been definitively shown to cause cardiomyopathy (PMID: 23975875). This variant has not been reported in the literature in individuals affected with TTN-related conditions. ClinVar contains an entry for this variant (Variation ID: 952786). This sequence change replaces glutamic acid, which is acidic and polar, with glycine, which is neutral and non-polar, at codon 35881 of the TTN protein (p.Glu35881Gly). This variant is not present in population databases (gnomAD no frequency).

Literature cited by the submitters: PubMed 25589632; PubMed 23975875.